The following is an entry in ClinVar:

ClinVar aggregate classification (germline): Uncertain significance (1 of 4 stars; one submission).

Conditions:
Emery-Dreifuss muscular dystrophy (EDMD). Also called: Scapuloperoneal syndrome, X-linked (formerly); Humeroperoneal neuromuscular disease, (formerly). Identifiers: Orphanet 261, MedGen C0410189, MONDO:0016830.

Allele frequency attached by ClinVar (database versions not stated): gnomAD exomes below 0.00001.
gnomAD v4.1: 2 of 1,610,500 alleles (0.00012%); highest among the groups gnomAD compares: Admixed American, 0.0017%; no homozygotes.

Submission:

Labcorp Genetics (formerly Invitae), Labcorp
Classification: Uncertain significance for Emery-Dreifuss muscular dystrophy. Last evaluated: 2019-06-04. Review status: criteria provided, single submitter. Criteria: Invitae Variant Classification Sherloc (09022015). Collection method: clinical testing. Allele origin: germline.
Comment: In summary, the available evidence is currently insufficient to determine the role of this variant in disease. Therefore, it has been classified as a Variant of Uncertain Significance. The current clinical and genetic evidence is not sufficient to establish whether loss-of-function variants in SUN1 cause disease. Algorithms developed to predict the effect of sequence changes on RNA splicing suggest that this variant may disrupt the consensus splice site, but this prediction has not been confirmed by published transcriptional studies. This variant has not been reported in the literature in individuals with SUN1-related conditions. This variant is not present in population databases (ExAC no frequency). This sequence change affects a donor splice site in intron 1 of the SUN1 gene. It is expected to disrupt RNA splicing and likely results in an absent or disrupted protein product.

NM_001130965.3(SUN1):c.77+1G>A

Genes: SUN1 (Sad1 and UNC84 domain containing 1; plus strand), LOC126859921 (P300/CBP strongly-dependent group 1 enhancer GRCh37_chr7:871666-872865; plus strand). Cytogenetic location: 7p22.3.
Variant type: single nucleotide variant.
Coding change: c.77+1G>A on transcript NM_001130965.3 (MANE Select); the canonical splice donor site of the intron after coding-DNA position 77, G replaced by A.
Molecular consequence: splice donor variant. On other transcripts: intron variant (30).
Genome position (GRCh38, 1-based): chr7:832,602, G>A. VCF-style: chr7-832602-G-A. GRCh37 (hg19) VCF-style: chr7-872239-G-A.
Other names: c.77+1G>A (NM_001367643.1, NM_001367683.1, NM_001367688.1 and 35 more transcripts); c.-381+1G>A (NM_001367635.1); c.-73-6196G>A (NM_001367666.1, NM_001367655.1, NM_001367691.1 and 24 more transcripts); c.297-6196G>A (NM_001367651.1); c.-684-6196G>A (NM_001367658.1); c.-301-9344G>A (NM_001367639.1); c.140+1G>A (NM_001171945.2).
Identifiers: ClinVar variation 934524 (VCV000934524.8), dbSNP rs1798962063, ClinGen allele CA366541681.